The following is an entry in ClinVar:

ClinVar aggregate classification (germline): Uncertain significance (1 of 4 stars; one submission).

Conditions:
Inborn genetic diseases. Identifiers: MedGen C0950123, MeSH D030342.

Allele frequency attached by ClinVar (database versions not stated): gnomAD exomes below 0.00001; TOPMed below 0.00001; ExAC 0.00001; gnomAD 0.00001.
gnomAD v4.1: 4 of 1,614,014 alleles (0.00025%); highest among the groups gnomAD compares: East Asian, 0.0022%; no homozygotes.

Submission:

Ambry Genetics
Classification: Uncertain significance for Inborn genetic diseases. Last evaluated: 2021-03-15. Review status: criteria provided, single submitter. Criteria: Ambry Variant Classification Scheme 2023. Collection method: clinical testing. Allele origin: germline.
Comment: The c.4507G>A (p.V1503M) alteration is located in exon 23 (coding exon 23) of the C2CD3 gene. This alteration results from a G to A substitution at nucleotide position 4507, causing the valine (V) at amino acid position 1503 to be replaced by a methionine (M). The p.V1503M alteration is predicted to be tolerated by in silico analysis. Based on insufficient or conflicting evidence, the clinical significance of this alteration remains unclear.

NM_001286577.2(C2CD3):c.4507G>A (p.Val1503Met)

Gene: C2CD3 (C2 domain containing 3 centriole elongation regulator; minus strand). Cytogenetic location: 11q13.4.
Variant type: single nucleotide variant.
Coding change: c.4507G>A on transcript NM_001286577.2 (MANE Select); coding-DNA position 4507, G replaced by A.
Protein change: p.Val1503Met; replaces valine 1503 with methionine.
Molecular consequence: missense variant.
Genome position (GRCh38, 1-based): chr11:74,078,211, C>T on the plus strand (G>A on the coding strand, the complement: C2CD3 is on the minus strand). VCF-style: chr11-74078211-C-T. GRCh37 (hg19) VCF-style: chr11-73789256-C-T.
Other names: c.4507G>A, p.Val1503Met (NM_015531.6); short protein forms V1503M.
Identifiers: ClinVar variation 2229529 (VCV002229529.2), dbSNP rs769163998, ClinGen allele CA6182132.